The following is an entry in ClinVar:

ClinVar aggregate classification (germline): Uncertain significance. Review status: criteria provided, multiple submitters, no conflicts (2 of 4 stars). 2 submissions from 2 submitters: Uncertain significance (2). Last evaluated 2023-10-17.

Conditions:
Inborn genetic diseases. Identifiers: MedGen C0950123, MeSH D030342.

gnomAD v4.1: 33 of 1,612,826 alleles (0.002%); highest among the groups gnomAD compares: South Asian, 0.018%; no homozygotes.

Submissions (2):

Ambry Genetics
Classification: Uncertain significance for Inborn genetic diseases. Last evaluated: 2023-10-17. Review status: criteria provided, single submitter. Criteria: Ambry Variant Classification Scheme 2023. Collection method: clinical testing. Allele origin: germline.

Labcorp Genetics (formerly Invitae), Labcorp
Classification: Uncertain significance. Last evaluated: 2022-03-22. Review status: criteria provided, single submitter. Criteria: Invitae Variant Classification Sherloc (09022015). Collection method: clinical testing. Allele origin: germline.
Comment: This sequence change replaces methionine, which is neutral and non-polar, with valine, which is neutral and non-polar, at codon 854 of the SLC4A11 protein (p.Met854Val). This variant is present in population databases (rs373679606, gnomAD 0.04%). This variant has not been reported in the literature in individuals affected with SLC4A11-related conditions. Algorithms developed to predict the effect of missense changes on protein structure and function output the following: SIFT: "Deleterious"; PolyPhen-2: "Benign"; Align-GVGD: "Class C0". The valine amino acid residue is found in multiple mammalian species, which suggests that this missense change does not adversely affect protein function. In summary, the available evidence is currently insufficient to determine the role of this variant in disease. Therefore, it has been classified as a Variant of Uncertain Significance.

NM_001174089.2(SLC4A11):c.2512A>G (p.Met838Val)

Gene: SLC4A11 (solute carrier family 4 member 11; minus strand). Cytogenetic location: 20p13.
Variant type: single nucleotide variant.
Coding change: c.2512A>G on transcript NM_001174089.2 (MANE Select); coding-DNA position 2512, A replaced by G.
Protein change: p.Met838Val; replaces methionine 838 with valine.
Molecular consequence: missense variant. On other transcripts: non-coding transcript variant (3).
Genome position (GRCh38, 1-based): chr20:3,228,305, T>C on the plus strand (A>G on the coding strand, the complement: SLC4A11 is on the minus strand). VCF-style: chr20-3228305-T-C. GRCh37 (hg19) VCF-style: chr20-3208951-T-C.
Other names: c.2641A>G, p.Met881Val (NM_001174090.2); c.2398A>G, p.Met800Val (NM_001363745.2); c.2455A>G, p.Met819Val (NM_001400277.1, NM_001400278.1, NM_001400279.1); c.2527A>G, p.Met843Val (NM_001400280.1); c.2560A>G, p.Met854Val (NM_032034.4); c.2560A>G (NM_032034.3); short protein forms M800V, M819V, M838V, M843V, M854V, M881V.
Identifiers: ClinVar variation 2145944 (VCV002145944.2), dbSNP rs373679606, ClinGen allele CA9741445.
Genomic context (GRCh38, chr20:3,228,305, plus strand): 5'-CCACCCGCCTGTACCGGATGGGGATCATGGCGATCATGATGAGGGGAAAGATCATCTTCA[T>C]GTAGGGCAGGGAGCTCATGCCGAAGGCACACAGCAGCAGCAGCTGAAGCACCTGCAGGCC-3'
Protein context (NP_001167560.1, residues 828-848): CAFGMSSLPY[Met838Val]KMIFPLIMIA